The following is an entry in ClinVar:

NM_031220.4(PITPNM3):c.275-3C>T

Gene: PITPNM3 (PITPNM family member 3; minus strand). Cytogenetic location: 17p13.2.
Variant type: single nucleotide variant.
Coding change: c.275-3C>T on transcript NM_031220.4 (MANE Select); 3 bases into the intron before coding-DNA position 275, C replaced by T.
Molecular consequence: intron variant.
Genome position (GRCh38, 1-based): chr17:6,484,295, G>A on the plus strand (C>T on the coding strand, the complement: PITPNM3 is on the minus strand). VCF-style: chr17-6484295-G-A. GRCh37 (hg19) VCF-style: chr17-6387615-G-A.
Other names: c.167-3C>T (NM_001165966.2).
Identifiers: ClinVar variation 2800871 (VCV002800871.3), dbSNP rs1905938439, ClinGen allele CA981105899.

ClinVar aggregate classification (germline): Uncertain significance (1 of 4 stars; one submission).

Allele frequency attached by ClinVar (database versions not stated): gnomAD exomes below 0.00001; TOPMed below 0.00001; gnomAD 0.00001.
gnomAD v4.1: 6 of 1,601,712 alleles (0.00037%); highest among the groups gnomAD compares: Non-Finnish European, 0.00051%; no homozygotes.

Submission:

Labcorp Genetics (formerly Invitae), Labcorp
Classification: Uncertain significance. Last evaluated: 2023-12-22. Review status: criteria provided, single submitter. Criteria: Invitae Variant Classification Sherloc (09022015). Collection method: clinical testing. Allele origin: germline.
Comment: This sequence change falls in intron 4 of the PITPNM3 gene. It does not directly change the encoded amino acid sequence of the PITPNM3 protein. It affects a nucleotide within the consensus splice site. This variant is not present in population databases (gnomAD no frequency). This variant has not been reported in the literature in individuals affected with PITPNM3-related conditions. Variants that disrupt the consensus splice site are a relatively common cause of aberrant splicing (PMID: 17576681, 9536098). Algorithms developed to predict the effect of sequence changes on RNA splicing suggest that this variant is not likely to affect RNA splicing. In summary, the available evidence is currently insufficient to determine the role of this variant in disease. Therefore, it has been classified as a Variant of Uncertain Significance.

Literature cited by the submitters: PubMed 17576681; PubMed 9536098.